The following is an entry in ClinVar:

NM_198525.3(KIF7):c.2992C>T (p.Gln998Ter)

Gene: KIF7 (kinesin family member 7; minus strand). Cytogenetic location: 15q26.1.
Variant type: single nucleotide variant.
Coding change: c.2992C>T on transcript NM_198525.3 (MANE Select); coding-DNA position 2992, C replaced by T.
Protein change: p.Gln998Ter; replaces glutamine 998 with a stop codon.
Molecular consequence: nonsense.
Genome position (GRCh38, 1-based): chr15:89,631,614, G>A on the plus strand (C>T on the coding strand, the complement: KIF7 is on the minus strand). VCF-style: chr15-89631614-G-A. GRCh37 (hg19) VCF-style: chr15-90174845-G-A.
Other names: short protein forms Q998*.
Identifiers: ClinVar variation 4850262 (VCV004850262.1).

ClinVar aggregate classification (germline): Likely pathogenic (1 of 4 stars; one submission).

Conditions:
Acrocallosal syndrome (ACLS). Also called: Schinzel syndrome 1; Absence of corpus callosum with unusual facial appearance, mental deficiency, duplication of the halluces and polydactyly; HALLUX DUPLICATION, POSTAXIAL POLYDACTYLY, AND ABSENCE OF CORPUS CALLOSUM. Identifiers: Orphanet 36, MedGen C0796147, MONDO:0008708, OMIM 200990.
Multiple epiphyseal dysplasia, Al-Gazali type. Also called: Macrocephaly with multiple epiphyseal dysplasia and distinctive facies. Identifiers: Orphanet 166024, MedGen C1846722, MONDO:0011778, OMIM 607131.
Hydrolethalus syndrome 2 (HLS2). Identifiers: Orphanet 2189, MedGen C3279899, MONDO:0013585, OMIM 614120.

gnomAD v4.1: 1 of 1,561,530 alleles (0.000064%); highest among the groups gnomAD compares: Non-Finnish European, 0.000087%; no homozygotes.

Submission:

First Genomix Gene Laboratory, Genetic Diagnostics Department
Classification: Likely pathogenic for Multiple epiphyseal dysplasia, Al-Gazali type; Hydrolethalus syndrome 2; Acrocallosal syndrome. Last evaluated: 2025-09-08. Review status: criteria provided, single submitter. Criteria: ACMG Guidelines, 2015. Collection method: clinical testing. Allele origin: germline. Inheritance: Autosomal recessive inheritance. Affected: no. Observed: 1 variant allele.